The following is an entry in ClinVar:

ClinVar aggregate classification (germline): Uncertain significance (1 of 4 stars; one submission).

Conditions:
Inborn genetic diseases. Identifiers: MedGen C0950123, MeSH D030342.

gnomAD v4.1: 1 of 1,544,520 alleles (0.000065%); highest among the groups gnomAD compares: Admixed American, 0.002%; no homozygotes.

Submission:

Ambry Genetics
Classification: Uncertain significance for Inborn genetic diseases. Last evaluated: 2025-12-04. Review status: criteria provided, single submitter. Criteria: Ambry Variant Classification Scheme 2023. Collection method: clinical testing. Allele origin: germline.
Comment: The c.7G>C (p.A3P) alteration is located in exon 1 (coding exon 1) of the EIF2B4 gene. This alteration results from a G to C substitution at nucleotide position 7, causing the alanine (A) at amino acid position 3 to be replaced by a proline (P). Based on data from gnomAD, the C allele has an overall frequency of 0.001% (1/140052) total alleles studied. The highest observed frequency was 0.004% (1/24640) of Latino alleles. Based on insufficient or conflicting evidence, the clinical significance of this alteration remains unclear.

NM_001034116.2(EIF2B4):c.7G>C (p.Ala3Pro)

Gene: EIF2B4 (eukaryotic translation initiation factor 2B subunit delta; minus strand). Cytogenetic location: 2p23.3.
Variant type: single nucleotide variant.
Coding change: c.7G>C on transcript NM_001034116.2 (MANE Select); coding-DNA position 7, G replaced by C.
Protein change: p.Ala3Pro; replaces alanine 3 with proline.
Molecular consequence: missense variant. On other transcripts: 5 prime UTR variant (3).
Genome position (GRCh38, 1-based): chr2:27,370,308, C>G on the plus strand (G>C on the coding strand, the complement: EIF2B4 is on the minus strand). VCF-style: chr2-27370308-C-G. GRCh37 (hg19) VCF-style: chr2-27593175-C-G.
Other names: c.-217G>C (NM_001318966.2); c.-80G>C (NM_001318967.2); c.-586G>C (NM_001318969.2); c.7G>C, p.Ala3Pro (NM_015636.4); short protein forms A3P.
Identifiers: ClinVar variation 4618350 (VCV004618350.1).